The following is an entry in ClinVar:

ClinVar aggregate classification (germline): Likely benign. Review status: criteria provided, single submitter (1 of 4 stars). 2 submissions from 2 submitters: Likely benign (1). 1 of the submissions does not count toward it. Last evaluated 2024-02-01.

Conditions:
Bardet-Biedl syndrome (BBS). Identifiers: Orphanet 110, MedGen C0752166, MONDO:0015229.
BBS4-related disorder. Also called: BBS4-related condition.

Allele frequency attached by ClinVar (database versions not stated): ExAC 0.00001; gnomAD exomes 0.00001; TOPMed 0.00001.
gnomAD v4.1: 8 of 1,614,004 alleles (0.0005%); highest among the groups gnomAD compares: Non-Finnish European, 0.00059%; no homozygotes.

Submissions (2):

Labcorp Genetics (formerly Invitae), Labcorp
Classification: Likely benign for Bardet-Biedl syndrome. Last evaluated: 2024-02-01. Review status: criteria provided, single submitter. Criteria: Invitae Variant Classification Sherloc (09022015). Collection method: clinical testing. Allele origin: germline.

PreventionGenetics, part of Exact Sciences
Classification: Likely benign for BBS4-related condition. Last evaluated: 2023-05-23. Review status: no assertion criteria provided. Collection method: clinical testing. Allele origin: germline. Not counted in ClinVar's aggregate classification.
Comment: This variant is classified as likely benign based on ACMG/AMP sequence variant interpretation guidelines (Richards et al. 2015 PMID: 25741868, with internal and published modifications).

NM_033028.5(BBS4):c.261A>G (p.Leu87=)

Gene: BBS4 (Bardet-Biedl syndrome 4; plus strand). Cytogenetic location: 15q24.1.
Variant type: single nucleotide variant.
Coding change: c.261A>G on transcript NM_033028.5 (MANE Select); coding-DNA position 261, A replaced by G.
Protein change: p.Leu87=; no amino-acid change (leucine 87 retained).
Molecular consequence: synonymous variant. On other transcripts: 5 prime UTR variant (1), non-coding transcript variant (2).
Genome position (GRCh38, 1-based): chr15:72,715,331, A>G. VCF-style: chr15-72715331-A-G. GRCh37 (hg19) VCF-style: chr15-73007672-A-G.
Other names: c.-261A>G (NM_001252678.2); c.261A>G, p.Leu87= (NM_001320665.2); c.261A>G (NM_033028.4).
Identifiers: ClinVar variation 1950923 (VCV001950923.6), dbSNP rs763786149, ClinGen allele CA7646567.